The following is an entry in ClinVar:

ClinVar aggregate classification (germline): Conflicting classifications of pathogenicity. Review status: criteria provided, conflicting classifications (1 of 4 stars). 3 submissions from 3 submitters: Uncertain significance (2); Likely benign (1). Last evaluated 2025-08-21.

Conditions:
Migraine, familial hemiplegic, 3. Identifiers: Orphanet 569, MedGen C1864987, MONDO:0012320, OMIM 609634.
Generalized epilepsy with febrile seizures plus, type 2 (GEFSP2). Also called: GEFS+, TYPE 2. Identifiers: Orphanet 36387, MedGen C1858673, MONDO:0011461, OMIM 604403.
Severe myoclonic epilepsy in infancy (DRVT). Also called: Dravet syndrome; DEVELOPMENTAL AND EPILEPTIC ENCEPHALOPATHY 6A; Severe Myoclonic Epilepsy in Infancy (SMEI); Epileptic encephalopathy, early infantile, 6 (Dravet syndrome); SEVERE MYOCLONIC EPILEPSY OF INFANCY. Identifiers: Orphanet 33069, MedGen C0751122, MONDO:0100135, OMIM 607208.
Developmental and epileptic encephalopathy 6B. Also called: Developmental and epileptic encephalopathy 6B, non-Dravet. Identifiers: MedGen C5543353, MONDO:0030268, OMIM 619317.
Early-infantile DEE. Also called: Early infantile epileptic encephalopathy; Ohtahara syndrome; Early infantile epileptic encephalopathy with suppression bursts. Identifiers: Orphanet 1934, MedGen C0393706, MONDO:0800491.

Allele frequency attached by ClinVar (database versions not stated): TOPMed 0.00001; gnomAD exomes 0.00001; ExAC 0.00002; gnomAD 0.00002; ESP Exome Variant Server 0.00008.
gnomAD v4.1: 23 of 1,611,170 alleles (0.0014%); highest among the groups gnomAD compares: African/African-American, 0.0027%; no homozygotes.

Submissions (3):

GeneDx
Classification: Uncertain significance. Last evaluated: 2025-08-21. Review status: criteria provided, single submitter. Criteria: GeneDx Variant Classification Process June 2021. Collection method: clinical testing. Allele origin: germline.
Comment: In silico analysis suggests that this missense variant does not alter protein structure/function; This substitution is predicted to be within the extracellular loop between the S5 and S6 transmembrane segments of the first homologous domain; Has not been previously published as pathogenic or benign to our knowledge

Labcorp Genetics (formerly Invitae), Labcorp
Classification: Likely benign for Early-infantile DEE. Last evaluated: 2025-05-22. Review status: criteria provided, single submitter. Criteria: Invitae Variant Classification Sherloc (09022015). Collection method: clinical testing. Allele origin: germline.

Fulgent Genetics
Classification: Uncertain significance for Generalized epilepsy with febrile seizures plus, type 2; Severe myoclonic epilepsy in infancy; Migraine, familial hemiplegic, 3; Developmental and epileptic encephalopathy 6B. Last evaluated: 2022-01-16. Review status: criteria provided, single submitter. Criteria: ACMG Guidelines, 2015. Collection method: clinical testing. Allele origin: unknown.

NM_001165963.4(SCN1A):c.886A>G (p.Ile296Val)

Gene: SCN1A (sodium voltage-gated channel alpha subunit 1; minus strand). Cytogenetic location: 2q24.3.
Variant type: single nucleotide variant.
Coding change: c.886A>G on transcript NM_001165963.4 (MANE Select); coding-DNA position 886, A replaced by G.
Protein change: p.Ile296Val; replaces isoleucine 296 with valine.
Molecular consequence: missense variant. On other transcripts: 5 prime UTR variant (1), non-coding transcript variant (1).
Genome position (GRCh38, 1-based): chr2:166,051,797, T>C on the plus strand (A>G on the coding strand, the complement: SCN1A is on the minus strand). VCF-style: chr2-166051797-T-C. GRCh37 (hg19) VCF-style: chr2-166908307-T-C.
Other names: c.886A>G, p.Ile296Val (NM_001165964.3, NM_001202435.3, NM_001353948.2 and 10 more transcripts); c.-1540A>G (NM_001353961.2); short protein forms I296V.
Identifiers: ClinVar variation 839612 (VCV000839612.12), dbSNP rs373772491, ClinGen allele CA1943423.